The following is an entry in ClinVar:

NM_012208.4(HARS2):c.193G>A (p.Asp65Asn)

Gene: HARS2 (histidyl-tRNA synthetase 2, mitochondrial; plus strand). Cytogenetic location: 5q31.3.
Variant type: single nucleotide variant.
Coding change: c.193G>A on transcript NM_012208.4 (MANE Select); coding-DNA position 193, G replaced by A.
Protein change: p.Asp65Asn; replaces aspartic acid 65 with asparagine.
Molecular consequence: missense variant. On other transcripts: 5 prime UTR variant (2).
Genome position (GRCh38, 1-based): chr5:140,693,944, G>A. VCF-style: chr5-140693944-G-A. GRCh37 (hg19) VCF-style: chr5-140073529-G-A.
Other names: c.118G>A, p.Asp40Asn (NM_001278731.2); c.-18G>A (NM_001278732.2, NM_001363536.2); c.211G>A, p.Asp71Asn (NM_001363535.2); short protein forms D40N, D65N, D71N.
Identifiers: ClinVar variation 3364905 (VCV003364905.1).
Genomic context (GRCh38, chr5:140,693,944, plus strand): 5'-ATGGACTTATTTTTTGTTTTTGTTTTCACTATGGCTGCTTTTGGTTTCCAGGGTACCAGG[G>A]ATCTTAGTCCTCAGCATATGGTTGTGAGGGAGAAAATTCTTGATTTGGTTATCAGCTGCT-3'
Protein context (NP_036340.1, residues 55-75): FIIKTPKGTR[Asp65Asn]LSPQHMVVRE

ClinVar aggregate classification (germline): Uncertain significance (1 of 4 stars; one submission).

Submission:

GeneDx
Classification: Uncertain significance. Last evaluated: 2023-11-28. Review status: criteria provided, single submitter. Criteria: GeneDx Variant Classification Process June 2021. Collection method: clinical testing. Allele origin: germline. Affected: yes.
Comment: Not observed at significant frequency in large population cohorts (gnomAD); In silico analysis supports that this missense variant has a deleterious effect on protein structure/function; Has not been previously published as pathogenic or benign to our knowledge